The following is an entry in ClinVar:

NM_031220.4(PITPNM3):c.352-5C>T

Gene: PITPNM3 (PITPNM family member 3; minus strand). Cytogenetic location: 17p13.2.
Variant type: single nucleotide variant.
Coding change: c.352-5C>T on transcript NM_031220.4 (MANE Select); 5 bases into the intron before coding-DNA position 352, C replaced by T.
Molecular consequence: intron variant.
Genome position (GRCh38, 1-based): chr17:6,483,757, G>A on the plus strand (C>T on the coding strand, the complement: PITPNM3 is on the minus strand). VCF-style: chr17-6483757-G-A. GRCh37 (hg19) VCF-style: chr17-6387077-G-A.
Other names: c.244-5C>T (NM_001165966.2).
Identifiers: ClinVar variation 728716 (VCV000728716.11), dbSNP rs760013043, ClinGen allele CA8329843.

ClinVar aggregate classification (germline): Likely benign. Review status: criteria provided, multiple submitters, no conflicts (2 of 4 stars). 3 submissions from 3 submitters: Likely benign (2). 1 of the submissions does not count toward it. Last evaluated 2025-06-27.

Conditions:
PITPNM3-related disorder. Also called: PITPNM3-related condition.

Allele frequency attached by ClinVar (database versions not stated): ExAC 0.00002; gnomAD 0.00002; gnomAD exomes 0.00002; TOPMed 0.00002.
gnomAD v4.1: 35 of 1,610,394 alleles (0.0022%); highest among the groups gnomAD compares: Non-Finnish European, 0.0028%; no homozygotes.

Submissions (3):

Labcorp Genetics (formerly Invitae), Labcorp
Classification: Likely benign. Last evaluated: 2025-06-27. Review status: criteria provided, single submitter. Criteria: Invitae Variant Classification Sherloc (09022015). Collection method: clinical testing. Allele origin: germline.

Blueprint Genetics
Classification: Likely benign. Last evaluated: 2024-07-18. Review status: criteria provided, single submitter. Criteria: ACMG Guidelines, 2015. Collection method: clinical testing. Allele origin: germline.

PreventionGenetics, part of Exact Sciences
Classification: Likely benign for PITPNM3-related condition. Last evaluated: 2019-07-25. Review status: no assertion criteria provided. Collection method: clinical testing. Allele origin: germline. Not counted in ClinVar's aggregate classification.
Comment: This variant is classified as likely benign based on ACMG/AMP sequence variant interpretation guidelines (Richards et al. 2015 PMID: 25741868, with internal and published modifications).